The following is an entry in ClinVar:

NM_001042492.3(NF1):c.3197+2T>C

Gene: NF1 (neurofibromin 1; plus strand). Cytogenetic location: 17q11.2.
Variant type: single nucleotide variant.
Coding change: c.3197+2T>C on transcript NM_001042492.3 (MANE Select); the canonical splice donor site of the intron after coding-DNA position 3197, T replaced by C.
Molecular consequence: splice donor variant.
Genome position (GRCh38, 1-based): chr17:31,230,927, T>C. VCF-style: chr17-31230927-T-C. GRCh37 (hg19) VCF-style: chr17-29557945-T-C.
Other names: c.3197+2T>C (NM_000267.4).
Identifiers: ClinVar variation 2112114 (VCV002112114.6), dbSNP rs2151432549, ClinGen allele CA398988350.
Genomic context (GRCh38, chr17:31,230,927, plus strand): 5'-GACTGGGTTATGGGAACATCAAACCAAGCAGCAGATGATGATGTAAAATGTCTTACAAGG[T>C]AAAAAAAGAATGACCTTCAAGTATTAGTGGGTTTTACTGTGAGAGTTATAACTACTTAAT-3'

ClinVar aggregate classification (germline): Pathogenic/Likely pathogenic. Review status: criteria provided, multiple submitters, no conflicts (2 of 4 stars). 3 submissions from 3 submitters: Pathogenic (2); Likely pathogenic (1). Last evaluated 2025-01-30.

Conditions:
Neurofibromatosis, type 1 (NF1). Also called: Neurofibromatosis, type I; Peripheral type neurofibromatosis; VON RECKLINGHAUSEN DISEASE; NEUROFIBROMATOSIS, TYPE I, SOMATIC. Identifiers: Orphanet 636, MedGen C0027831, MONDO:0018975, OMIM 162200. Disease mechanism: loss of function.
NF1-related disorder. Also called: NF1-related condition. Identifiers: MedGen CN379171.

Submissions (3):

GeneDx
Classification: Pathogenic. Last evaluated: 2025-01-30. Review status: criteria provided, single submitter. Criteria: GeneDx Variant Classification Process June 2021. Collection method: clinical testing. Allele origin: germline. Affected: yes.
Comment: Canonical splice site variant predicted to result in an in-frame loss of the adjacent exon in a gene for which loss of function is a known mechanism of disease; Not observed at significant frequency in large population cohorts (gnomAD); Deletions involving coding exons of this gene are a known mechanism of disease (HGMD; other references); This variant is associated with the following publications: (PMID: 2121369, 25486365, 26345759, 39001468)

Blueprint Genetics
Classification: Likely pathogenic for NF1-related disorders. Last evaluated: 2023-08-04. Review status: criteria provided, single submitter. Criteria: ACMG Guidelines, 2015. Collection method: clinical testing. Allele origin: germline. Affected: yes. Observed: 1 variant allele.

Labcorp Genetics (formerly Invitae), Labcorp
Classification: Pathogenic for Neurofibromatosis, type 1. Last evaluated: 2022-03-14. Review status: criteria provided, single submitter. Criteria: Invitae Variant Classification Sherloc (09022015). Collection method: clinical testing. Allele origin: germline.
Comment: For these reasons, this variant has been classified as Pathogenic. Algorithms developed to predict the effect of sequence changes on RNA splicing suggest that this variant may disrupt the consensus splice site. Disruption of this splice site has been observed in individual(s) with neurofibromatosis, type 1 (PMID: 10607834, 26345759, 32575496). This variant is not present in population databases (gnomAD no frequency). This sequence change affects a donor splice site in intron 24 of the NF1 gene. It is expected to disrupt RNA splicing. Variants that disrupt the donor or acceptor splice site typically lead to a loss of protein function (PMID: 16199547), and loss-of-function variants in NF1 are known to be pathogenic (PMID: 10712197, 23913538).

Literature cited by the submitters: PubMed 10607834 (cited by Labcorp Genetics (formerly Invitae), Labcorp); PubMed 26345759 (cited by Labcorp Genetics (formerly Invitae), Labcorp); PubMed 32575496 (cited by Labcorp Genetics (formerly Invitae), Labcorp); PubMed 16199547 (cited by Labcorp Genetics (formerly Invitae), Labcorp); PubMed 10712197 (cited by Labcorp Genetics (formerly Invitae), Labcorp); PubMed 23913538 (cited by Labcorp Genetics (formerly Invitae), Labcorp).